The following is an entry in ClinVar:

NM_025074.7(FRAS1):c.6530T>C (p.Val2177Ala)

Gene: FRAS1 (Fraser extracellular matrix complex subunit 1; plus strand). Cytogenetic location: 4q21.21.
Variant type: single nucleotide variant.
Coding change: c.6530T>C on transcript NM_025074.7 (MANE Select); coding-DNA position 6530, T replaced by C.
Protein change: p.Val2177Ala; replaces valine 2177 with alanine.
Molecular consequence: missense variant.
Genome position (GRCh38, 1-based): chr4:78,451,838, T>C. VCF-style: chr4-78451838-T-C. GRCh37 (hg19) VCF-style: chr4-79372992-T-C.
Other names: short protein forms V2177A.
Identifiers: ClinVar variation 283806 (VCV000283806.44), dbSNP rs76345011, ClinGen allele CA2977816.

ClinVar aggregate classification (germline): Benign/Likely benign. Review status: criteria provided, multiple submitters, no conflicts (2 of 4 stars). 6 submissions from 6 submitters: Benign (2); Likely benign (3). 1 of the submissions does not count toward it. Last evaluated 2026-01-26.

Conditions:
FRAS1-related disorder. Also called: FRAS1-related condition.
Fraser syndrome 1 (FRASRS1). Also called: CRYPTOPHTHALMOS WITH OTHER MALFORMATIONS. Identifiers: Orphanet 2052, MedGen C4551480, MONDO:0054737, OMIM 219000.

Allele frequency attached by ClinVar (database versions not stated): gnomAD 0.00020 and 0.00030; TOPMed 0.00033; gnomAD exomes 0.00035 and 0.00060; ExAC 0.00071; 1000 Genomes Project 30x 0.00141; 1000 Genomes Project 0.00180.
gnomAD v4.1: 559 of 1,613,144 alleles (0.035%); highest among the groups gnomAD compares: East Asian, 1.2%; 4 homozygotes.

Submissions (6):

Labcorp Genetics (formerly Invitae), Labcorp
Classification: Benign. Last evaluated: 2026-01-26. Review status: criteria provided, single submitter. Criteria: Invitae Variant Classification Sherloc (09022015). Collection method: clinical testing. Allele origin: germline.

Blueprint Genetics
Classification: Likely benign. Last evaluated: 2024-10-03. Review status: criteria provided, single submitter. Criteria: ACMG Guidelines, 2015. Collection method: clinical testing. Allele origin: germline.

CeGaT Center for Human Genetics Tuebingen
Classification: Likely benign. Last evaluated: 2023-10-01. Review status: criteria provided, single submitter. Criteria: CeGaT Center For Human Genetics Tuebingen Variant Classification Criteria Version 2. Collection method: clinical testing. Allele origin: germline. Affected: yes. Observed: 1 variant allele.
Comment: FRAS1: BP4, BS2

Illumina Laboratory Services, Illumina
Classification: Likely benign for Fraser syndrome 1. Last evaluated: 2018-01-13. Review status: criteria provided, single submitter. Criteria: ICSL Variant Classification Criteria 13 December 2019. Collection method: clinical testing. Allele origin: germline.
Comment: This variant was observed in the ICSL laboratory as part of a predisposition screen in an ostensibly healthy population. It had not been previously curated by ICSL or reported in the Human Gene Mutation Database (HGMD: prior to June 1st, 2018), and was therefore a candidate for classification through an automated scoring system. Utilizing variant allele frequency, disease prevalence and penetrance estimates, and inheritance mode, an automated score was calculated to assess if this variant is too frequent to cause the disease. Based on the score and internal cut-off values, a variant classified as likely benign is not then subjected to further curation. The score for this variant resulted in a classification of likely benign for this disease.

Eurofins Ntd Llc (ga)
Classification: Benign. Last evaluated: 2015-10-15. Review status: criteria provided, single submitter. Criteria: EGL Classification Definitions 2015. Collection method: clinical testing. Allele origin: germline. Observed: 1 variant allele, 1 heterozygote.

PreventionGenetics, part of Exact Sciences
Classification: Likely benign for FRAS1-related condition. Last evaluated: 2020-04-04. Review status: no assertion criteria provided. Collection method: clinical testing. Allele origin: germline. Not counted in ClinVar's aggregate classification.
Comment: This variant is classified as likely benign based on ACMG/AMP sequence variant interpretation guidelines (Richards et al. 2015 PMID: 25741868, with internal and published modifications).